The following is an entry in ClinVar:

ClinVar aggregate classification (germline): Uncertain significance. Review status: criteria provided, multiple submitters, no conflicts (2 of 4 stars). 2 submissions from 2 submitters: Uncertain significance (2). Last evaluated 2025-09-01.

Allele frequency attached by ClinVar (database versions not stated): ExAC 0.00001; ESP Exome Variant Server 0.00008.
gnomAD v4.1: 1 of 1,614,160 alleles (0.000062%); highest among the groups gnomAD compares: Non-Finnish European, 0.000085%; no homozygotes.

Submissions (2):

Ambry Genetics
Classification: Uncertain significance. Last evaluated: 2025-09-01. Review status: criteria provided, single submitter. Criteria: Ambry Variant Classification Scheme 2023. Collection method: clinical testing. Allele origin: germline.

Labcorp Genetics (formerly Invitae), Labcorp
Classification: Uncertain significance. Last evaluated: 2023-08-03. Review status: criteria provided, single submitter. Criteria: Invitae Variant Classification Sherloc (09022015). Collection method: clinical testing. Allele origin: germline.
Comment: This sequence change replaces leucine, which is neutral and non-polar, with valine, which is neutral and non-polar, at codon 225 of the PLXNA2 protein (p.Leu225Val). This variant is present in population databases (rs368778836, gnomAD 0.0009%). In summary, the available evidence is currently insufficient to determine the role of this variant in disease. Therefore, it has been classified as a Variant of Uncertain Significance. An algorithm developed to predict the effect of missense changes on protein structure and function (PolyPhen-2) suggests that this variant is likely to be disruptive. This variant has not been reported in the literature in individuals affected with PLXNA2-related conditions.

NM_025179.4(PLXNA2):c.673C>G (p.Leu225Val)

Gene: PLXNA2 (plexin A2; minus strand). Cytogenetic location: 1q32.2.
Variant type: single nucleotide variant.
Coding change: c.673C>G on transcript NM_025179.4 (MANE Select); coding-DNA position 673, C replaced by G.
Protein change: p.Leu225Val; replaces leucine 225 with valine.
Molecular consequence: missense variant.
Genome position (GRCh38, 1-based): chr1:208,217,250, G>C on the plus strand (C>G on the coding strand, the complement: PLXNA2 is on the minus strand). VCF-style: chr1-208217250-G-C. GRCh37 (hg19) VCF-style: chr1-208390595-G-C.
Other names: c.673C>G (NM_025179.3); short protein forms L225V.
Identifiers: ClinVar variation 2906089 (VCV002906089.4), dbSNP rs368778836, ClinGen allele CA1374043.